The following is an entry in ClinVar:

NM_175914.5(HNF4A):c.733C>G (p.Arg245Gly)

Gene: HNF4A (hepatocyte nuclear factor 4 alpha; plus strand). Cytogenetic location: 20q13.12.
Variant type: single nucleotide variant.
Coding change: c.733C>G on transcript NM_175914.5 (MANE Select); coding-DNA position 733, C replaced by G.
Protein change: p.Arg245Gly; replaces arginine 245 with glycine.
Molecular consequence: missense variant.
Genome position (GRCh38, 1-based): chr20:44,419,783, C>G. VCF-style: chr20-44419783-C-G. GRCh37 (hg19) VCF-style: chr20-43048423-C-G.
Other names: NM_175914.5:c.733C>G; c.799C>G, p.Arg267Gly (NM_000457.6, NM_178849.3, NM_178850.3); c.733C>G, p.Arg245Gly (NM_001030003.3, NM_001030004.3); c.778C>G, p.Arg260Gly (NM_001258355.2); c.724C>G, p.Arg242Gly (NM_001287182.2, NM_001287183.2, NM_001287184.2); short protein forms R242G, R245G, R260G, R267G.
Identifiers: ClinVar variation 3238974 (VCV003238974.1), dbSNP rs1290868034.
Genomic context (GRCh38, chr20:44,419,783, plus strand): 5'-AATGACTACATTGTCCCTCGGCACTGCCCGGAGCTGGCGGAGATGAGCCGGGTGTCCATA[C>G]GCATCCTTGACGAGCTGGTGCTGCCCTTCCAGGAGCTGCAGATCGATGACAATGAGTATG-3'
Protein context (NP_787110.2, residues 235-255): ELAEMSRVSI[Arg245Gly]ILDELVLPFQ

ClinVar aggregate classification (germline): Likely pathogenic (3 of 4 stars; one submission).

Conditions:
Monogenic diabetes. Identifiers: Orphanet 183625, MedGen C3888631, MONDO:0015967.

Submission:

ClinGen Monogenic Diabetes Variant Curation Expert Panel
Classification: Likely pathogenic for Monogenic diabetes. Last evaluated: 2024-05-10. Review status: reviewed by expert panel. Criteria: ClinGen Diabetes ACMG Specifications HNF4A V2.0.0. Collection method: curation. Allele origin: germline. Inheritance: Autosomal dominant inheritance.
Comment: The c.733C>G variant in the hepatocyte nuclear factor 4-alpha gene, HNF4A, causes an amino acid change of arginine to glycine at codon 245 (p.(Arg245Gly)) of NM_175914.5. This variant is absent in gnomAD v2.1.1 (PM2_Supporting), and was identified in an individual with a clinical history suggestive of HNF4A-MODY (neonatal hypoglycemia that is responsive to diazoxide and negative genetic testing for ABCC8 and KCNJ11)(PP4; internal lab contributor). This variant is predicted to be deleterious by computational evidence, with a REVEL score of 0.904, which is greater than the MDEP VCEP threshold of 0.70 (PP3). Additionally, two other missense variants, c.733C>T (p.Arg245Cys) and c.734G>A (p.Arg245His), have been interpreted as pathogenic by the ClinGen MDEP and p.Arg245Gly has a greater Grantham distance than p.Arg245His (PM5_Strong). In summary, c.733C>G meets the criteria to be classified as likely pathogenic for monogenic diabetes. ACMG/AMP criteria applied, as specified by the ClinGen MDEP (specification version 2.0.0, approved 10/11/2023): PM5_Strong, PP3, PP4, PM2_Supporting.